The following is an entry in ClinVar:

ClinVar aggregate classification (germline): Uncertain significance (1 of 4 stars; one submission).

Conditions:
Catecholaminergic polymorphic ventricular tachycardia 1. Also called: VENTRICULAR TACHYCARDIA, CATECHOLAMINERGIC POLYMORPHIC, 1, WITH OR WITHOUT ATRIAL DYSFUNCTION AND/OR DILATED CARDIOMYOPATHY; VENTRICULAR TACHYCARDIA, STRESS-INDUCED POLYMORPHIC 1; RYR2-Related Catecholaminergic Polymorphic Ventricular Tachycardia. Identifiers: Orphanet 3286, MedGen C1631597, MONDO:0011484, OMIM 604772.

Allele frequency attached by ClinVar (database versions not stated): gnomAD exomes below 0.00001.
gnomAD v4.1: 2 of 1,595,554 alleles (0.00013%); highest among the groups gnomAD compares: Admixed American, 0.0017%; no homozygotes.

Submission:

Labcorp Genetics (formerly Invitae), Labcorp
Classification: Uncertain significance for Catecholaminergic polymorphic ventricular tachycardia 1. Last evaluated: 2021-09-25. Review status: criteria provided, single submitter. Criteria: Invitae Variant Classification Sherloc (09022015). Collection method: clinical testing. Allele origin: germline.
Comment: This sequence change replaces alanine with glutamic acid at codon 3696 of the RYR2 protein (p.Ala3696Glu). The alanine residue is highly conserved and there is a moderate physicochemical difference between alanine and glutamic acid. In summary, the available evidence is currently insufficient to determine the role of this variant in disease. Therefore, it has been classified as a Variant of Uncertain Significance. Algorithms developed to predict the effect of missense changes on protein structure and function (SIFT, PolyPhen-2, Align-GVGD) all suggest that this variant is likely to be disruptive. This variant has not been reported in the literature in individuals affected with RYR2-related conditions. This variant is not present in population databases (ExAC no frequency).

NM_001035.3(RYR2):c.11087C>A (p.Ala3696Glu)

Gene: RYR2 (ryanodine receptor 2; plus strand). Cytogenetic location: 1q43.
Variant type: single nucleotide variant.
Coding change: c.11087C>A on transcript NM_001035.3 (MANE Select); coding-DNA position 11087, C replaced by A.
Protein change: p.Ala3696Glu; replaces alanine 3696 with glutamic acid.
Molecular consequence: missense variant.
Genome position (GRCh38, 1-based): chr1:237,733,752, C>A. VCF-style: chr1-237733752-C-A. GRCh37 (hg19) VCF-style: chr1-237897052-C-A.
Other names: short protein forms A3696E.
Identifiers: ClinVar variation 945668 (VCV000945668.8), dbSNP rs1269339524, ClinGen allele CA345419251.